The following is an entry in ClinVar:

NM_001853.4(COL9A3):c.719T>G (p.Leu240Arg)

Gene: COL9A3 (collagen type IX alpha 3 chain; plus strand). Cytogenetic location: 20q13.33.
Variant type: single nucleotide variant.
Coding change: c.719T>G on transcript NM_001853.4 (MANE Select); coding-DNA position 719, T replaced by G.
Protein change: p.Leu240Arg; replaces leucine 240 with arginine.
Molecular consequence: missense variant.
Genome position (GRCh38, 1-based): chr20:62,826,238, T>G. VCF-style: chr20-62826238-T-G. GRCh37 (hg19) VCF-style: chr20-61457590-T-G.
Other names: short protein forms L240R.
Identifiers: ClinVar variation 2629626 (VCV002629626.2), dbSNP rs750130384, ClinGen allele CA9949457.

ClinVar aggregate classification (germline): Uncertain significance. Review status: criteria provided, multiple submitters, no conflicts (2 of 4 stars). 2 submissions from 2 submitters: Uncertain significance (2). Last evaluated 2025-08-07.

Conditions:
COL9A3-related disorder. Also called: COL9A3-related condition.

Allele frequency attached by ClinVar (database versions not stated): TOPMed 0.00005; gnomAD exomes below 0.00001; ExAC 0.00005.
gnomAD v4.1: 1 of 1,557,286 alleles (0.000064%); highest among the groups gnomAD compares: Admixed American, 0.0019%; no homozygotes.

Submissions (2):

Labcorp Genetics (formerly Invitae), Labcorp
Classification: Uncertain significance. Last evaluated: 2025-08-07. Review status: criteria provided, single submitter. Criteria: Invitae Variant Classification Sherloc (09022015). Collection method: clinical testing. Allele origin: germline.
Comment: This sequence change replaces leucine, which is neutral and non-polar, with arginine, which is basic and polar, at codon 240 of the COL9A3 protein (p.Leu240Arg). This variant is present in population databases (rs750130384, gnomAD 0.004%). This variant has not been reported in the literature in individuals affected with COL9A3-related conditions. ClinVar contains an entry for this variant (Variation ID: 2629626). Invitae Evidence Modeling of protein sequence and biophysical properties (such as structural, functional, and spatial information, amino acid conservation, physicochemical variation, residue mobility, and thermodynamic stability) indicates that this missense variant is not expected to disrupt COL9A3 protein function with a negative predictive value of 95%. In summary, the available evidence is currently insufficient to determine the role of this variant in disease. Therefore, it has been classified as a Variant of Uncertain Significance.

PreventionGenetics, part of Exact Sciences
Classification: Uncertain significance for COL9A3-related condition. Last evaluated: 2022-12-22. Review status: criteria provided, single submitter. Criteria: ACMG Guidelines, 2015. Collection method: clinical testing. Allele origin: germline.
Comment: The COL9A3 c.719T>G variant is predicted to result in the amino acid substitution p.Leu240Arg. To our knowledge, this variant has not been reported in the literature. This variant is reported in 0.0039% of alleles in individuals of Latino descent in gnomAD. At this time, the clinical significance of this variant is uncertain due to the absence of conclusive functional and genetic evidence.